The following is an entry in ClinVar:

ClinVar aggregate classification (germline): Uncertain significance (1 of 4 stars; one submission).

gnomAD v4.1: 4 of 1,204,071 alleles (0.00033%); highest among the groups gnomAD compares: Admixed American, 0.0088%; no homozygotes.

Submission:

Labcorp Genetics (formerly Invitae), Labcorp
Classification: Uncertain significance. Last evaluated: 2025-10-11. Review status: criteria provided, single submitter. Criteria: Invitae Variant Classification Sherloc (09022015). Collection method: clinical testing. Allele origin: germline.
Comment: This sequence change replaces methionine, which is neutral and non-polar, with leucine, which is neutral and non-polar, at codon 652 of the ABCB7 protein (p.Met652Leu). This variant is present in population databases (rs751648765, gnomAD 0.008%). This variant has not been reported in the literature in individuals affected with ABCB7-related conditions. An algorithm developed to predict the effect of missense changes on protein structure and function (PolyPhen-2) suggests that this variant is likely to be tolerated. In summary, the available evidence is currently insufficient to determine the role of this variant in disease. Therefore, it has been classified as a Variant of Uncertain Significance.

NM_001271696.3(ABCB7):c.1951A>T (p.Met651Leu)

Gene: ABCB7 (ATP binding cassette subfamily B member 7; minus strand). Cytogenetic location: Xq13.3.
Variant type: single nucleotide variant.
Coding change: c.1951A>T on transcript NM_001271696.3 (MANE Select); coding-DNA position 1951, A replaced by T.
Protein change: p.Met651Leu; replaces methionine 651 with leucine.
Molecular consequence: missense variant.
Genome position (GRCh38, 1-based): chrX:75,060,315, T>A on the plus strand (A>T on the coding strand, the complement: ABCB7 is on the minus strand). VCF-style: chrX-75060315-T-A. GRCh37 (hg19) VCF-style: chrX-74280150-T-A.
Other names: c.1831A>T, p.Met611Leu (NM_001271697.3); c.1873A>T, p.Met625Leu (NM_001271698.3); c.1834A>T, p.Met612Leu (NM_001271699.3); c.1954A>T, p.Met652Leu (NM_004299.6); short protein forms M611L, M625L, M612L, M651L, M652L.
Identifiers: ClinVar variation 4750161 (VCV004750161.1).
Genomic context (GRCh38, chrX:75,060,315, plus strand): 5'-CCACTGTTGACAATCTGTGTGCAATGAAAATAGAAGTTCTGTGTTTGACCACATCCTTCA[T>A]GGCACCAAGAATAGTCTGCAAGTTTGGTAATATGAAGAACAGGAGAAAATAAAAAGAAGT-3'
Protein context (NP_001258625.1, residues 641-661): SITEETILGA[Met651Leu]KDVVKHRTSI